The following is an entry in ClinVar:

NM_000138.5(FBN1):c.8141C>T (p.Ala2714Val)

Gene: FBN1 (fibrillin 1; minus strand). Cytogenetic location: 15q21.1.
Variant type: single nucleotide variant.
Coding change: c.8141C>T on transcript NM_000138.5 (MANE Select); coding-DNA position 8141, C replaced by T.
Protein change: p.Ala2714Val; replaces alanine 2714 with valine.
Molecular consequence: missense variant.
Genome position (GRCh38, 1-based): chr15:48,412,654, G>A on the plus strand (C>T on the coding strand, the complement: FBN1 is on the minus strand). VCF-style: chr15-48412654-G-A. GRCh37 (hg19) VCF-style: chr15-48704851-G-A.
Other names: short protein forms A2714V.
Identifiers: ClinVar variation 495659 (VCV000495659.19), dbSNP rs772795413, ClinGen allele CA059664.

ClinVar aggregate classification (germline): Conflicting classifications of pathogenicity. Review status: criteria provided, conflicting classifications (1 of 4 stars). 5 submissions from 5 submitters: Uncertain significance (4); Benign (1). Last evaluated 2026-02-26.

Conditions:
Marfan syndrome (MFS). Also called: MARFAN SYNDROME, TYPE I; FBN1-Related Marfan Syndrome; Marfan syndrome type 1; Marfan's syndrome; Marfan syndrome, classic. Identifiers: Orphanet 284963, Orphanet 558, MedGen C0024796, MONDO:0007947, OMIM 154700.
Familial thoracic aortic aneurysm and aortic dissection (TAAD). Also called: Thoracic aortic aneurysms and dissections. Identifiers: Orphanet 91387, MedGen C4707243, MONDO:0019625.

Allele frequency attached by ClinVar (database versions not stated): gnomAD 0.00009 and 0.00007; TOPMed 0.00012.
gnomAD v4.1: 20 of 1,614,124 alleles (0.0012%); highest among the groups gnomAD compares: African/African-American, 0.025%; no homozygotes.

Submissions (5):

Ambry Genetics
Classification: Uncertain significance for Familial thoracic aortic aneurysm and aortic dissection. Last evaluated: 2026-02-26. Review status: criteria provided, single submitter. Criteria: Ambry Variant Classification Scheme 2023. Collection method: clinical testing. Allele origin: germline.

Labcorp Genetics (formerly Invitae), Labcorp
Classification: Benign for Marfan syndrome; Familial thoracic aortic aneurysm and aortic dissection. Last evaluated: 2025-10-01. Review status: criteria provided, single submitter. Criteria: Invitae Variant Classification Sherloc (09022015). Collection method: clinical testing. Allele origin: germline.

All of Us Research Program, National Institutes of Health
Classification: Uncertain significance for Marfan syndrome. Last evaluated: 2024-09-23. Review status: criteria provided, single submitter. Criteria: ACMG Guidelines, 2015. Collection method: clinical testing. Allele origin: germline. Inheritance: Autosomal dominant inheritance. Observed: 11 variant alleles, 11 heterozygotes.
Comment: Variant of Uncertain Significance due to insufficient evidence: This missense variant replaces alanine with valine at codon 2714 of the FBN1 protein. Computational prediction tools and conservation analyses are inconclusive regarding the impact of this variant on the protein function. Computational splicing tools suggest that this variant may activate a cryptic splice donor site. To our knowledge, functional assays have not been performed for this variant nor has this variant been reported in individuals affected with cardiovascular disorders in the literature. This variant has been identified in 4/277224 chromosomes in the general population by the Genome Aggregation Database (gnomAD). Available evidence is insufficient to determine the role of this variant in disease conclusively.

This study involves interpretation of variants in research participants for the purpose of population health screening. Participant phenotype was not available at the time of variant classification. Additional details can be found in publication PMID: 35346344, PMCID: PMC8962531

Color Diagnostics, LLC DBA Color Health
Classification: Uncertain significance for Familial thoracic aortic aneurysm and aortic dissection. Last evaluated: 2024-03-06. Review status: criteria provided, single submitter. Criteria: ACMG Guidelines, 2015. Collection method: clinical testing. Allele origin: germline.
Comment: This missense variant replaces alanine with valine at codon 2714 of the FBN1 protein. Computational prediction suggests that this variant may not impact protein structure and function (internally defined REVEL score threshold <= 0.5, PMID: 27666373). To our knowledge, functional studies have not been reported for this variant. This variant has not been reported in individuals affected with FBN1-related disorders in the literature. This variant has been identified in 4/282882 chromosomes in the general population by the Genome Aggregation Database (gnomAD). The available evidence is insufficient to determine the role of this variant in disease conclusively. Therefore, this variant is classified as a Variant of Uncertain Significance.

Women's Health and Genetics/Laboratory Corporation of America, LabCorp
Classification: Uncertain significance. Last evaluated: 2023-12-04. Review status: criteria provided, single submitter. Criteria: LabCorp Variant Classification Summary - May 2015. Collection method: clinical testing. Allele origin: germline.
Comment: Variant summary: FBN1 c.8141C>T (p.Ala2714Val) results in a non-conservative amino acid change in the encoded protein sequence. Three of five in-silico tools predict a benign effect of the variant on protein function. The variant allele was found at a frequency of 1.2e-05 in 251474 control chromosomes. The available data on variant occurrences in the general population are insufficient to allow any conclusion about variant significance. To our knowledge, no occurrence of c.8141C>T in individuals affected with Marfan Syndrome and no experimental evidence demonstrating its impact on protein function have been reported. Co-occurrences with other pathogenic variant(s) have been reported (FBN1, p.Glu487X), providing supporting evidence for a benign role. Two submitters have cited clinical-significance assessments for this variant to ClinVar after 2014. All submitters classified the variant as uncertain significance. Based on the evidence outlined above, the variant was classified as VUS - possibly benign.